The following is an entry in ClinVar:

NM_001089.3(ABCA3):c.3123G>C (p.Leu1041Phe)

Gene: ABCA3 (ATP binding cassette subfamily A member 3; minus strand). Cytogenetic location: 16p13.3.
Variant type: single nucleotide variant.
Coding change: c.3123G>C on transcript NM_001089.3 (MANE Select); coding-DNA position 3123, G replaced by C.
Protein change: p.Leu1041Phe; replaces leucine 1041 with phenylalanine.
Molecular consequence: missense variant.
Genome position (GRCh38, 1-based): chr16:2,286,849, C>G on the plus strand (G>C on the coding strand, the complement: ABCA3 is on the minus strand). VCF-style: chr16-2286849-C-G. GRCh37 (hg19) VCF-style: chr16-2336850-C-G.
Other names: short protein forms L1041F.
Identifiers: ClinVar variation 4765491 (VCV004765491.1).

ClinVar aggregate classification (germline): Uncertain significance (1 of 4 stars; one submission).

gnomAD v4.1: 3 of 1,614,138 alleles (0.00019%); highest among the groups gnomAD compares: Non-Finnish European, 0.00017%; no homozygotes.

Submission:

Labcorp Genetics (formerly Invitae), Labcorp
Classification: Uncertain significance. Last evaluated: 2026-01-14. Review status: criteria provided, single submitter. Criteria: Invitae Variant Classification Sherloc (09022015). Collection method: clinical testing. Allele origin: germline.
Comment: This sequence change replaces leucine, which is neutral and non-polar, with phenylalanine, which is neutral and non-polar, at codon 1041 of the ABCA3 protein (p.Leu1041Phe). This variant is not present in population databases (gnomAD no frequency). This variant has not been reported in the literature in individuals affected with ABCA3-related conditions. Invitae Evidence Modeling of protein sequence and biophysical properties (such as structural, functional, and spatial information, amino acid conservation, physicochemical variation, residue mobility, and thermodynamic stability) indicates that this missense variant is not expected to disrupt ABCA3 protein function with a negative predictive value of 80%. In summary, the available evidence is currently insufficient to determine the role of this variant in disease. Therefore, it has been classified as a Variant of Uncertain Significance.